The following is an entry in ClinVar:

ClinVar aggregate classification (germline): Uncertain significance. Review status: criteria provided, multiple submitters, no conflicts (2 of 4 stars). 3 submissions from 3 submitters: Uncertain significance (2). 1 of the submissions does not count toward it. Last evaluated 2023-05-24.

Conditions:
Hereditary cancer-predisposing syndrome. Also called: Neoplastic Syndromes, Hereditary; Tumor predisposition; Hereditary Cancer Syndrome; Hereditary neoplastic syndrome. Identifiers: Orphanet 140162, MedGen C0027672, MeSH D009386, MONDO:0015356.
Breast-ovarian cancer, familial, susceptibility to, 2 (BROVCA2). Also called: BRCA2 Hereditary Breast and Ovarian Cancer. Identifiers: Orphanet 145, MedGen C2675520, MONDO:0012933, OMIM 612555. Disease mechanism: loss of function.
Hereditary breast ovarian cancer syndrome. Also called: Hereditary breast and ovarian cancer syndrome; Breast and ovarian cancer; Hereditary breast and ovarian cancer; Hereditary breast and/or ovarian cancer syndrome; BRCA1- and BRCA2-Associated Hereditary Breast and Ovarian Cancer; Hereditary breast and ovarian cancer syndrome (HBOC). Identifiers: Orphanet 145, MedGen C0677776, MeSH D061325, MONDO:0003582. Disease mechanism: loss of function.

Submissions (3):

Labcorp Genetics (formerly Invitae), Labcorp
Classification: Uncertain significance for Hereditary breast ovarian cancer syndrome. Last evaluated: 2023-05-24. Review status: criteria provided, single submitter. Criteria: Invitae Variant Classification Sherloc (09022015). Collection method: clinical testing. Allele origin: germline.
Comment: This sequence change replaces arginine, which is basic and polar, with lysine, which is basic and polar, at codon 3381 of the BRCA2 protein (p.Arg3381Lys). This variant is not present in population databases (gnomAD no frequency). This variant has not been reported in the literature in individuals affected with BRCA2-related conditions. ClinVar contains an entry for this variant (Variation ID: 1737848). Advanced modeling of protein sequence and biophysical properties (such as structural, functional, and spatial information, amino acid conservation, physicochemical variation, residue mobility, and thermodynamic stability) performed at Invitae indicates that this missense variant is not expected to disrupt BRCA2 protein function. In summary, the available evidence is currently insufficient to determine the role of this variant in disease. Therefore, it has been classified as a Variant of Uncertain Significance.

Ambry Genetics
Classification: Uncertain significance for Hereditary cancer-predisposing syndrome. Last evaluated: 2020-10-26. Review status: criteria provided, single submitter. Criteria: Ambry Variant Classification Scheme 2023. Collection method: clinical testing. Allele origin: germline.
Comment: The p.R3381K variant (also known as c.10142G>A), located in coding exon 26 of the BRCA2 gene, results from a G to A substitution at nucleotide position 10142. The arginine at codon 3381 is replaced by lysine, an amino acid with highly similar properties. This amino acid position is not well conserved in available vertebrate species. In addition, this alteration is predicted to be tolerated by in silico analysis. Since supporting evidence is limited at this time, the clinical significance of this alteration remains unclear.

BRCAlab, Lund University
Classification: Uncertain significance for Breast-ovarian cancer, familial, susceptibility to, 2. Last evaluated: 2020-03-02. Review status: no assertion criteria provided. Collection method: clinical testing. Allele origin: germline. Affected: yes. Not counted in ClinVar's aggregate classification.

NM_000059.4(BRCA2):c.10142G>A (p.Arg3381Lys)

Gene: BRCA2 (BRCA2 DNA repair associated; plus strand). Cytogenetic location: 13q13.1.
Variant type: single nucleotide variant.
Coding change: c.10142G>A on transcript NM_000059.4 (MANE Select); coding-DNA position 10142, G replaced by A.
Protein change: p.Arg3381Lys; replaces arginine 3381 with lysine.
Molecular consequence: missense variant.
Genome position (GRCh38, 1-based): chr13:32,398,655, G>A. VCF-style: chr13-32398655-G-A. GRCh37 (hg19) VCF-style: chr13-32972792-G-A.
Other names: c.10046G>A, p.Arg3349Lys (NM_001406719.1); c.10091G>A, p.Arg3364Lys (NM_001406720.1); c.5210G>A, p.Arg1737Lys (NM_001406721.1); c.3725G>A, p.Arg1242Lys (NM_001406722.1); short protein forms R1737K, R1242K, R3349K, R3364K, R3381K.
Identifiers: ClinVar variation 1737848 (VCV001737848.8), dbSNP rs2073056249, ClinGen allele CA387768135.
Genomic context (GRCh38, chr13:32,398,655, plus strand): 5'-AATTTATATCTGTCAGTGAATCCACTAGGACTGCTCCCACCAGTTCAGAAGATTATCTCA[G>A]ACTGAAACGACGTTGTACTACATCTCTGATCAAAGAACAGGAGAGTTCCCAGGCCAGTAC-3'
Protein context (NP_000050.3, residues 3371-3391): TAPTSSEDYL[Arg3381Lys]LKRRCTTSLI